The following continues an entry in ClinVar:

NM_000138.5(FBN1):c.184C>T (p.Arg62Cys)

Gene: FBN1. ClinVar aggregate classification (germline): Pathogenic. Pathogenic (12).

Submissions 9 to 13 of 13:

ARUP Laboratories, Molecular Genetics and Genomics, ARUP Laboratories
Classification: Pathogenic. Last evaluated: 2019-12-20. Review status: criteria provided, single submitter. Criteria: ARUP Molecular Germline Variant Investigation Process. Collection method: clinical testing. Allele origin: germline.
Comment: The FBN1 c.184C>T; p.Arg62Cys variant (rs25403), is reported in the literature in multiple individuals with symptoms or a diagnosis of Marfan syndrome or a related aortopathy (Katzke 2002, Korkko 2002, Stheneur 2009, Yang 2009, Zhao 2013). In one family with isolated ectopia lentis, the p.Arg62Cys variant was found to segregate in all affected individuals (Zhao 2013). This variant is absent from general population databases (Exome Variant Server, Genome Aggregation Database), indicating it is not a common polymorphism. This variant creates a cysteine residue in one of the calcium binding EGF-like domains of fibrillin-1 (Wu 1995). Each EGF-like domain normally contains six highly-conserved cysteines and the disulfide bridges formed between these residues are essential for protein folding; disruption of the normal pattern of cysteines may interfere with proper disulfide bridge formation, disrupting protein structure. Accordingly, the revised Ghent nosology for Marfan syndrome lists missense variants of cysteine residues as one of the criteria for classification of a variant as pathogenic (Loeys 2010). Based on available information, this variant is considered to be pathogenic. References: Katzke S et al. TGGE screening of the entire FBN1 coding sequence in 126 individuals with marfan syndrome and related fibrillinopathies. Hum Mutat. 2002 Sep;20(3):197-208. Korkko J et al. Sensitivity of conformation sensitive gel electrophoresis in detecting mutations in Marfan syndrome and related conditions. J Med Genet. 2002 Jan;39(1):34-41. Loeys et al. The revised Ghent nosology for the Marfan syndrome. J. Med. Genet. 2010 47(7): 476-85. Stheneur C et al. Identification of the minimal combination of clinical features in probands for efficient mutation detection in the FBN1 gene. Eur J Hum Genet. 2009 Sep;17(9):1121-8. Yang H et al. Genetic testing of 248 Chinese aortopathy patients using a panel assay. Sci Rep. 2016 Sep 9;6:33002. Zhao JH et al. Ophthalmic findings in a family with early-onset isolated ectopia lentis and the p.Arg62Cys mutation of the fibrillin-1 gene (FBN1). Ophthalmic Genet. 2013 Mar-Jun;34(1-2):21-6.

CeGaT Center for Human Genetics Tuebingen
Classification: Pathogenic. Last evaluated: 2019-06-01. Review status: criteria provided, single submitter. Criteria: CeGaT Center For Human Genetics Tuebingen Variant Classification Criteria Version 2. Collection method: clinical testing. Allele origin: germline. Affected: yes. Observed: 2 variant alleles.

Center for Human Genetics, Inc
Classification: Pathogenic for Marfan syndrome. Last evaluated: 2016-11-01. Review status: criteria provided, single submitter. Criteria: ACMG Guidelines, 2015. Collection method: clinical testing. Allele origin: germline. Affected: yes.

Laboratory for Molecular Medicine, Mass General Brigham Personalized Medicine
Classification: Pathogenic for Marfan syndrome. Last evaluated: 2006-10-28. Review status: criteria provided, single submitter. Criteria: LMM Criteria. Collection method: clinical testing. Allele origin: germline. Observed: 1 variant allele.

Center for Medical Genetics Ghent, University of Ghent
Classification: Likely pathogenic for Marfan syndrome. Last evaluated: 2017-11-07. Review status: no assertion criteria provided. Collection method: clinical testing. Allele origin: germline. Affected: yes. Not counted in ClinVar's aggregate classification.

Literature cited by the submitters: PubMed 11826022 (cited by 5 submitters); PubMed 12203992 (cited by 5 submitters); PubMed 16765689 (cited by 5 submitters); PubMed 19293843 (cited by Color Diagnostics, LLC DBA Color Health); PubMed 22950452 (cited by 3 submitters); PubMed 24161884 (cited by Color Diagnostics, LLC DBA Color Health); PubMed 25053872 (cited by Color Diagnostics, LLC DBA Color Health and Labcorp Genetics (formerly Invitae), Labcorp); PubMed 25944730 (cited by Color Diagnostics, LLC DBA Color Health and Labcorp Genetics (formerly Invitae), Labcorp); PubMed 32679894 (cited by Color Diagnostics, LLC DBA Color Health); PubMed 33576469 (cited by Color Diagnostics, LLC DBA Color Health); PubMed 34281902 (cited by Color Diagnostics, LLC DBA Color Health); PubMed 27611364 (cited by Labcorp Genetics (formerly Invitae), Labcorp); PubMed 15161917 (cited by Ambry Genetics); PubMed 12938084 (cited by Women's Health and Genetics/Laboratory Corporation of America, LabCorp); PubMed 12203987 (cited by Women's Health and Genetics/Laboratory Corporation of America, LabCorp); PubMed 15054843 (cited by Women's Health and Genetics/Laboratory Corporation of America, LabCorp); PubMed 16971892 (cited by Women's Health and Genetics/Laboratory Corporation of America, LabCorp); PubMed 18087243 (cited by Women's Health and Genetics/Laboratory Corporation of America, LabCorp); PubMed 17679947 (cited by Women's Health and Genetics/Laboratory Corporation of America, LabCorp); PubMed 18079676 (cited by Women's Health and Genetics/Laboratory Corporation of America, LabCorp); PubMed 16342915 (cited by Women's Health and Genetics/Laboratory Corporation of America, LabCorp); PubMed 18615205 (cited by Women's Health and Genetics/Laboratory Corporation of America, LabCorp); PubMed 21895641 (cited by Women's Health and Genetics/Laboratory Corporation of America, LabCorp); PubMed 15980072 (cited by Women's Health and Genetics/Laboratory Corporation of America, LabCorp); PubMed 17242066 (cited by Women's Health and Genetics/Laboratory Corporation of America, LabCorp); PubMed 20699357 (cited by Women's Health and Genetics/Laboratory Corporation of America, LabCorp); PubMed 22772377 (cited by Women's Health and Genetics/Laboratory Corporation of America, LabCorp); PubMed 34818515 (cited by Women's Health and Genetics/Laboratory Corporation of America, LabCorp).